The following is an entry in ClinVar:

ClinVar aggregate classification (germline): Likely benign. Review status: criteria provided, multiple submitters, no conflicts (2 of 4 stars). 2 submissions from 2 submitters: Likely benign (2). Last evaluated 2025-04-20.

Conditions:
Ataxia-telangiectasia syndrome (AT). Also called: ATAXIA-TELANGIECTASIA, COMPLEMENTATION GROUP A; ATAXIA-TELANGIECTASIA, FRESNO VARIANT; Ataxia-telangiectasia; Ataxia-telangiectasia, complementation group E; LOUIS-BAR SYNDROME; Cerebello-oculocutaneous telangiectasia. Identifiers: Orphanet 100, MedGen C0004135, MONDO:0008840, OMIM 208900.
Familial cancer of breast. Also called: BREAST CANCER, FAMILIAL; hereditary breast carcinoma; Hereditary breast cancer. Identifiers: Orphanet 227535, MedGen C0346153, MONDO:0016419, OMIM 114480. Disease mechanism: loss of function.

Allele frequency attached by ClinVar (database versions not stated): TOPMed 0.00001; gnomAD 0.00001.
gnomAD v4.1: 2 of 1,609,924 alleles (0.00012%); highest among the groups gnomAD compares: African/African-American, 0.0027%; no homozygotes.

Submissions (2):

Labcorp Genetics (formerly Invitae), Labcorp
Classification: Likely benign for Ataxia-telangiectasia syndrome. Last evaluated: 2025-04-20. Review status: criteria provided, single submitter. Criteria: Invitae Variant Classification Sherloc (09022015). Collection method: clinical testing. Allele origin: germline.

Myriad Genetics, Inc.
Classification: Likely benign for Familial cancer of breast. Last evaluated: 2024-06-17. Review status: criteria provided, single submitter. Criteria: Myriad Autosomal Dominant, Autosomal Recessive and X-Linked Classification Criteria (2023). Collection method: clinical testing. Allele origin: unknown.
Comment: This variant is considered likely benign. This variant is intronic and is not expected to impact mRNA splicing.

NM_000051.4(ATM):c.7789-16T>C

Genes: ATM (ATM serine/threonine kinase; plus strand), C11orf65 (chromosome 11 open reading frame 65; minus strand). Cytogenetic location: 11q22.3.
Variant type: single nucleotide variant.
Coding change: c.7789-16T>C on transcript NM_000051.4 (MANE Select); 16 bases into the intron before coding-DNA position 7789, T replaced by C.
Molecular consequence: intron variant.
Genome position (GRCh38, 1-based): chr11:108,332,746, T>C. VCF-style: chr11-108332746-T-C. GRCh37 (hg19) VCF-style: chr11-108203473-T-C.
Other names: c.7789-16T>C (NM_001351834.2); c.641-23675A>G (NM_001330368.2); c.*38+2474A>G (NM_001351110.2).
Identifiers: ClinVar variation 2190021 (VCV002190021.4), dbSNP rs1472109562, ClinGen allele CA601727002.
Genomic context (GRCh38, chr11:108,332,746, plus strand): 5'-TCTTTGTTTTTCTAACTCTGAGAAGTTTAAATGTTGGGTAGTTCCTTATGTAATGTTTTT[T>C]GTTTTTTATTAATAGGATCGAACAGAGGCTGCAAATAGAATAATATGTACTATCAGAAGT-3'